The following is an entry in ClinVar:

ClinVar aggregate classification (germline): Uncertain significance. Review status: criteria provided, multiple submitters, no conflicts (2 of 4 stars). 2 submissions from 2 submitters: Uncertain significance (2). Last evaluated 2026-02-03.

Conditions:
ANKRD1-related dilated cardiomyopathy. Identifiers: MedGen CN119551.

Allele frequency attached by ClinVar (database versions not stated): gnomAD exomes below 0.00001; ExAC 0.00001; gnomAD 0.00001; TOPMed 0.00002.

Submissions (2):

Labcorp Genetics (formerly Invitae), Labcorp
Classification: Uncertain significance for ANKRD1-related dilated cardiomyopathy. Last evaluated: 2026-02-03. Review status: criteria provided, single submitter. Criteria: Invitae Variant Classification Sherloc (09022015). Collection method: clinical testing. Allele origin: germline.
Comment: This sequence change replaces lysine, which is basic and polar, with glutamic acid, which is acidic and polar, at codon 61 of the ANKRD1 protein (p.Lys61Glu). This variant is present in population databases (rs775086759, gnomAD 0.003%). This variant has not been reported in the literature in individuals affected with ANKRD1-related conditions. ClinVar contains an entry for this variant (Variation ID: 432957). Invitae Evidence Modeling of protein sequence and biophysical properties (such as structural, functional, and spatial information, amino acid conservation, physicochemical variation, residue mobility, and thermodynamic stability) indicates that this missense variant is not expected to disrupt ANKRD1 protein function with a negative predictive value of 80%. In summary, the available evidence is currently insufficient to determine the role of this variant in disease. Therefore, it has been classified as a Variant of Uncertain Significance.

GeneDx
Classification: Uncertain significance. Last evaluated: 2017-06-27. Review status: criteria provided, single submitter. Criteria: GeneDx Variant Classification (06012015). Collection method: clinical testing. Allele origin: germline. Affected: yes.
Comment: A variant of uncertain significance has been identified in the ANKRD1 gene. The K61E variant has not been published as pathogenic or been reported as benign to our knowledge. This variant is also not observed at a significant frequency in large population cohorts (Lek et al., 2016; 1000 Genomes Consortium et al., 2015; Exome Variant Server). The K61E variant is a non-conservative amino acid substitution, which is likely to impact secondary protein structure as these residues differ in polarity, charge, size and/or other properties. However, this substitution occurs at a position that is not conserved across species and glutamic acid (E) is the wild-type residue at this position in multiple mammalian species. Finally, in silico analysis predicts this variant likely does not alter the protein structure/function.

NM_014391.3(ANKRD1):c.181A>G (p.Lys61Glu)

Gene: ANKRD1 (ankyrin repeat domain 1; minus strand). Cytogenetic location: 10q23.31.
Variant type: single nucleotide variant.
Coding change: c.181A>G on transcript NM_014391.3 (MANE Select); coding-DNA position 181, A replaced by G.
Protein change: p.Lys61Glu; replaces lysine 61 with glutamic acid.
Molecular consequence: missense variant.
Genome position (GRCh38, 1-based): chr10:90,920,195, T>C on the plus strand (A>G on the coding strand, the complement: ANKRD1 is on the minus strand). VCF-style: chr10-90920195-T-C. GRCh37 (hg19) VCF-style: chr10-92679952-T-C.
Other names: short protein forms K61E.
Identifiers: ClinVar variation 432957 (VCV000432957.5), dbSNP rs775086759, ClinGen allele CA5598827.